The following is an entry in ClinVar:

ClinVar aggregate classification (germline): Pathogenic. Review status: criteria provided, multiple submitters, no conflicts (2 of 4 stars). 2 submissions from 2 submitters: Pathogenic (2). Last evaluated 2026-04-14.

Conditions:
Familial intrahepatic cholestasis. Identifiers: Orphanet 284385, MedGen CN296401, MONDO:0017290.
Progressive familial intrahepatic cholestasis type 2. Identifiers: Orphanet 79304, MedGen C3489789, MONDO:0011156, OMIM 601847.

gnomAD v4.1: 2 of 1,613,028 alleles (0.00012%); highest among the groups gnomAD compares: Non-Finnish European, 0.00017%; no homozygotes.

Submissions (2):

Genomenon, Inc
Classification: Pathogenic for Familial intrahepatic cholestasis. Last evaluated: 2026-04-14. Review status: criteria provided, single submitter. Criteria: Genomenon Sequence Variant Interpretation Standards - Updated. Collection method: curation. Allele origin: germline. Affected: yes.
Comment: ABCB11 p.Arg520Ter (c.1558A>T) is a nonsense variant that introduces a premature stop codon at amino acid position 520, creating a truncated protein that is predicted to undergo nonsense-mediated mRNA decay. This variant has been observed in at least one proband with an ABCB11-related disorder (PMID:34828443;32793533;32087350;18395098). It is absent or not present at a significant frequency in gnomAD. In conclusion, we classify ABCB11 p.Arg520Ter (c.1558A>T) as a pathogenic variant.

Broad Center for Mendelian Genomics, Broad Institute of MIT and Harvard
Classification: Pathogenic for Progressive familial intrahepatic cholestasis type 2. Last evaluated: 2025-01-27. Review status: criteria provided, single submitter. Criteria: ACMG Guidelines, 2015. Collection method: curation. Allele origin: germline. Inheritance: Autosomal recessive inheritance.
Comment: The p.Arg520Ter variant in ABCB11 has been reported in three individuals with BSEP deficiency (PMID: 18395098, 34016879), and has been identified in 0.0002% (2/1179424) of European (non-Finnish) chromosomes by the Genome Aggregation Database (gnomAD; dbSNP rs1162621436). Although this variant has been seen in the general population in a heterozygous state, its frequency is low enough to be consistent with a recessive carrier frequency. Of the 3 affected individuals, 2 were compound heterozygotes that carried a reported pathogenic variant with unknown phase, which increases the likelihood that the p.Arg520Ter variant is pathogenic (Variation ID: 6590, 288555; PMID: 18395098, 34016879). This nonsense variant leads to a premature termination codon at position 520, which is predicted to lead to a truncated or absent protein. Loss of function of the ABCB11 gene is an established disease mechanism in autosomal recessive BSEP deficiency. In summary, this variant meets criteria to be classified as pathogenic for autosomal recessive BSEP deficiency. ACMG/AMP Criteria applied: PVS1, PM3, PM2_supporting (Richards 2015).

Literature cited by the submitters: PubMed 34828443 (cited by Genomenon, Inc); PubMed 32793533 (cited by Genomenon, Inc); PubMed 32087350 (cited by Genomenon, Inc); PubMed 18395098 (cited by Genomenon, Inc).

NM_003742.4(ABCB11):c.1558A>T (p.Arg520Ter)

Gene: ABCB11 (ATP binding cassette subfamily B member 11; minus strand). Cytogenetic location: 2q31.1.
Variant type: single nucleotide variant.
Coding change: c.1558A>T on transcript NM_003742.4 (MANE Select); coding-DNA position 1558, A replaced by T.
Protein change: p.Arg520Ter; replaces arginine 520 with a stop codon.
Molecular consequence: nonsense.
Genome position (GRCh38, 1-based): chr2:168,971,927, T>A on the plus strand (A>T on the coding strand, the complement: ABCB11 is on the minus strand). VCF-style: chr2-168971927-T-A. GRCh37 (hg19) VCF-style: chr2-169828437-T-A.
Other names: NM_003742.4:c.1558A>T; short protein forms R520*.
Identifiers: ClinVar variation 3776864 (VCV003776864.2).